The following is an entry in ClinVar:

NM_206933.4(USH2A):c.6843A>G (p.Ile2281Met)

Gene: USH2A (usherin; minus strand). Cytogenetic location: 1q41.
Variant type: single nucleotide variant.
Coding change: c.6843A>G on transcript NM_206933.4 (MANE Select); coding-DNA position 6843, A replaced by G.
Protein change: p.Ile2281Met; replaces isoleucine 2281 with methionine.
Molecular consequence: missense variant.
Genome position (GRCh38, 1-based): chr1:215,970,739, T>C on the plus strand (A>G on the coding strand, the complement: USH2A is on the minus strand). VCF-style: chr1-215970739-T-C. GRCh37 (hg19) VCF-style: chr1-216144081-T-C.
Other names: short protein forms I2281M.
Identifiers: ClinVar variation 991446 (VCV000991446.4), dbSNP rs1195257429, ClinGen allele CA344854537.

ClinVar aggregate classification (germline): Uncertain significance. Review status: criteria provided, single submitter (1 of 4 stars). 2 submissions from 2 submitters: Uncertain significance (1). 1 of the submissions does not count toward it. Last evaluated 2022-06-22.

Conditions:
Usher syndrome type 2A. Also called: RETINAL DISEASE IN USHER SYNDROME TYPE IIA, MODIFIER OF; USHER SYNDROME, TYPE IIA. Identifiers: Orphanet 231178, Orphanet 886, MedGen C1848634, MONDO:0010169, OMIM 276901.

Allele frequency attached by ClinVar (database versions not stated): gnomAD 0.00001 and 0.00003; gnomAD exomes 0.00001; TOPMed 0.00002.
gnomAD v4.1: 12 of 1,613,624 alleles (0.00074%); highest among the groups gnomAD compares: Admixed American, 0.013%; no homozygotes.

Submissions (2):

Labcorp Genetics (formerly Invitae), Labcorp
Classification: Uncertain significance. Last evaluated: 2022-06-22. Review status: criteria provided, single submitter. Criteria: Invitae Variant Classification Sherloc (09022015). Collection method: clinical testing. Allele origin: germline.
Comment: This sequence change replaces isoleucine, which is neutral and non-polar, with methionine, which is neutral and non-polar, at codon 2281 of the USH2A protein (p.Ile2281Met). This variant is present in population databases (no rsID available, gnomAD 0.009%). This variant has not been reported in the literature in individuals affected with USH2A-related conditions. ClinVar contains an entry for this variant (Variation ID: 991446). Algorithms developed to predict the effect of missense changes on protein structure and function are either unavailable or do not agree on the potential impact of this missense change (SIFT: "Deleterious"; PolyPhen-2: "Benign"; Align-GVGD: "Class C0"). Algorithms developed to predict the effect of sequence changes on RNA splicing suggest that this variant may create or strengthen a splice site. In summary, the available evidence is currently insufficient to determine the role of this variant in disease. Therefore, it has been classified as a Variant of Uncertain Significance.

Natera, Inc.
Classification: Uncertain significance for Usher syndrome type 2A. Last evaluated: 2020-11-03. Review status: no assertion criteria provided. Collection method: clinical testing. Allele origin: germline. Not counted in ClinVar's aggregate classification.